The following is an entry in ClinVar:

ClinVar aggregate classification (germline): Uncertain significance. Review status: criteria provided, multiple submitters, no conflicts (2 of 4 stars). 20 submissions from 20 submitters: Uncertain significance (17). 3 of the submissions do not count toward it. Last evaluated 2026-09-14.

Conditions:
ATP7B-related disorder. Also called: ATP7B-related condition.
Inborn genetic diseases. Identifiers: MedGen C0950123, MeSH D030342.
Wilson disease (WND). Also called: Wilson's disease. Identifiers: Orphanet 905, MedGen C0019202, MONDO:0010200, OMIM 277900. Disease mechanism: loss of function.

Allele frequency attached by ClinVar (database versions not stated): ExAC 0.00060; gnomAD 0.00064; gnomAD exomes 0.00064; 1000 Genomes Project 30x 0.00078; ESP Exome Variant Server 0.00083; TOPMed 0.00090; 1000 Genomes Project 0.00100.
gnomAD v4.1: 1,384 of 1,614,266 alleles (0.086%); highest among the groups gnomAD compares: Admixed American, 0.18%; 2 homozygotes.

Submissions 1 to 12 of 20:

GeneDx
Classification: Uncertain significance. Last evaluated: 2026-09-14. Review status: criteria provided, single submitter. Criteria: GeneDx Variant Classification Process June 2021. Collection method: clinical testing. Allele origin: germline.
Comment: Observed with a missense variant in a patient with late-onset Wilson disease, but it is not known whether the variants occurred on the same (in cis) or on different (in trans) chromosomes (PMID: 36632541); In silico analysis suggests that this missense variant does not alter protein structure/function; This variant is associated with the following publications: (PMID: 23518715, 34620762, 36632541, 35637795, 24253677, 33869661, 39846592)

CeGaT Center for Human Genetics Tuebingen
Classification: Uncertain significance. Last evaluated: 2026-02-01. Review status: criteria provided, single submitter. Criteria: CeGaT Center For Human Genetics Tuebingen Variant Classification Criteria Version 2. Collection method: clinical testing. Allele origin: germline. Affected: yes. Observed: 2 variant alleles.

Dasa
Classification: Uncertain significance. Last evaluated: 2026-01-30. Review status: criteria provided, single submitter. Criteria: DASA Assertion Criteria. Collection method: clinical testing. Allele origin: germline.
Comment: NM_000053.4(ATP7B):c.98T>C (p.Met33Thr) is a missense variant that results in the substitution of methionine with threonine. This variant has been reported in individuals with ATP7B-related disorders (PMID: 36632541). Also, this variant is rare in population databases. The currently available literature and clinical evidence are not sufficient to establish a definitive association between this variant and the reported condition. Therefore, this variant is classified as a variant of uncertain significance.

Women's Health and Genetics/Laboratory Corporation of America, LabCorp
Classification: Uncertain significance. Last evaluated: 2026-01-16. Review status: criteria provided, single submitter. Criteria: LabCorp Variant Classification Summary - May 2015. Collection method: clinical testing. Allele origin: germline.
Comment: Variant summary: ATP7B c.98T>C (p.Met33Thr) results in a non-conservative amino acid change in the encoded protein sequence. The variant allele was found at a frequency of 0.00064 in 251146 control chromosomes. This frequency is not significantly higher than estimated for disease-causing variants in ATP7B, allowing no conclusion about variant significance. c.98T>C has been observed in individual(s) affected with Wilson Disease (Barros de Oliveira_2022). These data do not allow any conclusion about variant significance. To our knowledge, no experimental evidence demonstrating an impact on protein function has been reported. The following publications have been ascertained in the context of this evaluation (PMID: 36632541, 23518715, 39846592, 24253677, 35637795). ClinVar contains an entry for this variant (Variation ID: 35736). Based on the evidence outlined above, the variant was classified as uncertain significance.

Mayo Clinic Laboratories, Mayo Clinic
Classification: Uncertain significance. Last evaluated: 2025-08-15. Review status: criteria provided, single submitter. Criteria: ACMG Guidelines, 2015. Collection method: clinical testing. Allele origin: germline. Observed: 4 variant alleles.
Comment: PM2_supporting

Color Diagnostics, LLC DBA Color Health
Classification: Uncertain significance for Wilson disease. Last evaluated: 2025-06-04. Review status: criteria provided, single submitter. Criteria: ACMG Guidelines, 2015. Collection method: clinical testing. Allele origin: germline.
Comment: This missense variant replaces methionine with threonine at codon 33 of the ATP7B protein. Computational prediction is inconclusive regarding the impact of this variant on protein structure and function. To our knowledge, functional studies have not been reported for this variant. This variant has been reported in an individual with low levels of copper and ceruloplasmin (PMID: 24253677). This variant has been identified in 180/280858 chromosomes in the general population by the Genome Aggregation Database (gnomAD). The available evidence is insufficient to determine the role of this variant in disease conclusively. Therefore, this variant is classified as a Variant of Uncertain Significance.

Blueprint Genetics
Classification: Uncertain significance. Last evaluated: 2024-11-19. Review status: criteria provided, single submitter. Criteria: ACMG Guidelines, 2015. Collection method: clinical testing. Allele origin: germline.

All of Us Research Program, National Institutes of Health
Classification: Uncertain significance for Wilson disease. Last evaluated: 2024-09-23. Review status: criteria provided, single submitter. Criteria: ACMG Guidelines, 2015. Collection method: clinical testing. Allele origin: germline. Inheritance: Autosomal recessive inheritance. Observed: 358 variant alleles, 358 heterozygotes.
Comment: This missense variant replaces methionine with threonine at codon 33 of the ATP7B protein. Computational prediction is inconclusive regarding the impact of this variant on protein structure and function (internally defined REVEL score threshold 0.5 < inconclusive < 0.7, PMID: 27666373). To our knowledge, functional studies have not been reported for this variant. This variant has been reported in an individual with low levels of copper and ceruloplasmin (PMID: 24253677). This variant has been identified in 180/280858 chromosomes in the general population by the Genome Aggregation Database (gnomAD). The available evidence is insufficient to determine the role of this variant in disease conclusively. Therefore, this variant is classified as a Variant of Uncertain Significance.

This study involves interpretation of variants in research participants for the purpose of population health screening. Participant phenotype was not available at the time of variant classification. Additional details can be found in publication PMID: 35346344, PMCID: PMC8962531

Revvity Omics, Revvity
Classification: Uncertain significance for Wilson disease. Last evaluated: 2024-07-31. Review status: criteria provided, single submitter. Criteria: ACMG Guidelines, 2015. Collection method: clinical testing. Allele origin: germline.

PreventionGenetics, part of Exact Sciences
Classification: Uncertain significance for ATP7B-related condition. Last evaluated: 2023-09-13. Review status: criteria provided, single submitter. Criteria: ACMG Guidelines, 2015. Collection method: clinical testing. Allele origin: germline.
Comment: The ATP7B c.98T>C variant is predicted to result in the amino acid substitution p.Met33Thr. This variant was previously reported in a clinically asymptomatic individual with decreased serum copper and ceruloplasmin levels but increased urinary copper after a D-penicillamine challenge test (Squitti et al. 2019. PubMed ID: 33869661). At this time, the clinical significance of this variant is uncertain due to the absence of conclusive functional and genetic evidence.

Labcorp Genetics (formerly Invitae), Labcorp
Classification: Uncertain significance for Wilson disease. Last evaluated: 2022-11-01. Review status: criteria provided, single submitter. Criteria: Invitae Variant Classification Sherloc (09022015). Collection method: clinical testing. Allele origin: germline.
Comment: This sequence change replaces methionine, which is neutral and non-polar, with threonine, which is neutral and polar, at codon 33 of the ATP7B protein (p.Met33Thr). This variant is present in population databases (rs184868522, gnomAD 0.1%), and has an allele count higher than expected for a pathogenic variant. This missense change has been observed in individual(s) with Wilson disease (PMID: 23518715). ClinVar contains an entry for this variant (Variation ID: 35736). Algorithms developed to predict the effect of missense changes on protein structure and function (SIFT, PolyPhen-2, Align-GVGD) all suggest that this variant is likely to be tolerated. In summary, the available evidence is currently insufficient to determine the role of this variant in disease. Therefore, it has been classified as a Variant of Uncertain Significance.

Genome-Nilou Lab
Classification: Uncertain significance for Wilson disease. Last evaluated: 2021-09-05. Review status: criteria provided, single submitter. Criteria: ACMG Guidelines, 2015. Collection method: clinical testing. Allele origin: germline. Affected: no.

NM_000053.4(ATP7B):c.98T>C (p.Met33Thr)

Gene: ATP7B (ATPase copper transporting beta; minus strand). Cytogenetic location: 13q14.3.
Variant type: single nucleotide variant.
Coding change: c.98T>C on transcript NM_000053.4 (MANE Select); coding-DNA position 98, T replaced by C.
Protein change: p.Met33Thr; replaces methionine 33 with threonine.
Molecular consequence: missense variant.
Genome position (GRCh38, 1-based): chr13:51,975,122, A>G on the plus strand (T>C on the coding strand, the complement: ATP7B is on the minus strand). VCF-style: chr13-51975122-A-G. GRCh37 (hg19) VCF-style: chr13-52549258-A-G.
Other names: c.98T>C, p.Met33Thr (NM_001005918.3, NM_001243182.2, NM_001330578.2 and 1 more transcripts); short protein forms M33T.
Identifiers: ClinVar variation 35736 (VCV000035736.115), dbSNP rs184868522, ClinGen allele CA241265.